The following is an entry in ClinVar:

NM_002905.5(RDH5):c.232A>C (p.Thr78Pro)

Genes: BLOC1S1-RDH5 (BLOC1S1-RDH5 readthrough; plus strand), RDH5 (retinol dehydrogenase 5; plus strand). Cytogenetic location: 12q13.2.
Variant type: single nucleotide variant.
Coding change: c.232A>C on transcript NM_002905.5 (MANE Select); coding-DNA position 232, A replaced by C.
Protein change: p.Thr78Pro; replaces threonine 78 with proline.
Molecular consequence: missense variant.
Genome position (GRCh38, 1-based): chr12:55,721,416, A>C. VCF-style: chr12-55721416-A-C. GRCh37 (hg19) VCF-style: chr12-56115200-A-C.
Other names: c.232A>C, p.Thr78Pro (NM_001199771.3); short protein forms T78P.
Identifiers: ClinVar variation 1350435 (VCV001350435.8), dbSNP rs758793949, ClinGen allele CA6616777.

ClinVar aggregate classification (germline): Uncertain significance (1 of 4 stars; one submission).

Allele frequency attached by ClinVar (database versions not stated): gnomAD 0.00001; gnomAD exomes 0.00001; TOPMed 0.00001; ExAC 0.00002.

Submission:

Labcorp Genetics (formerly Invitae), Labcorp
Classification: Uncertain significance. Last evaluated: 2022-06-13. Review status: criteria provided, single submitter. Criteria: Invitae Variant Classification Sherloc (09022015). Collection method: clinical testing. Allele origin: germline.
Comment: In summary, the available evidence is currently insufficient to determine the role of this variant in disease. Therefore, it has been classified as a Variant of Uncertain Significance. Algorithms developed to predict the effect of missense changes on protein structure and function are either unavailable or do not agree on the potential impact of this missense change (SIFT: "Deleterious"; PolyPhen-2: "Benign"; Align-GVGD: "Class C0"). This variant has not been reported in the literature in individuals affected with RDH5-related conditions. This variant is present in population databases (rs758793949, gnomAD 0.002%). This sequence change replaces threonine, which is neutral and polar, with proline, which is neutral and non-polar, at codon 78 of the RDH5 protein (p.Thr78Pro).